The following is an entry in ClinVar:

NM_004168.4(SDHA):c.1989C>T (p.Ser663=)

Gene: SDHA (succinate dehydrogenase complex flavoprotein subunit A; plus strand). Cytogenetic location: 5p15.33.
Variant type: single nucleotide variant.
Coding change: c.1989C>T on transcript NM_004168.4 (MANE Select); coding-DNA position 1989, C replaced by T.
Protein change: p.Ser663=; no amino-acid change (serine 663 retained).
Molecular consequence: synonymous variant.
Genome position (GRCh38, 1-based): chr5:256,414, C>T. VCF-style: chr5-256414-C-T. GRCh37 (hg19) VCF-style: chr5-256529-C-T.
Other names: c.1989C>T (NM_004168.2); c.1845C>T, p.Ser615= (NM_001294332.2); c.1746C>T, p.Ser582= (NM_001330758.2).
Identifiers: ClinVar variation 539692 (VCV000539692.11), dbSNP rs1554002913, ClinGen allele CA442659766.
Genomic context (GRCh38, chr5:256,414, plus strand): 5'-CGTGATCGACAAAACTTTGAACGAGGCTGACTGTGCCACCGTCCCGCCAGCCATTCGCTC[C>T]TACTGATGAGACAAGATGTGGTGATGACAGAATCAGCTTTTGTAATTATGTATAATAGCT-3'
Protein context (NP_004159.2, residues 653-664): DCATVPPAIR[Ser663=]Y

ClinVar aggregate classification (germline): Benign/Likely benign. Review status: criteria provided, multiple submitters, no conflicts (2 of 4 stars). 3 submissions from 3 submitters: Benign (1); Likely benign (2). Last evaluated 2025-03-11.

Conditions:
Hereditary cancer-predisposing syndrome. Also called: Neoplastic Syndromes, Hereditary; Tumor predisposition; Hereditary neoplastic syndrome; Hereditary Cancer Syndrome. Identifiers: Orphanet 140162, MedGen C0027672, MeSH D009386, MONDO:0015356.
Mitochondrial complex II deficiency, nuclear type 1. Also called: SUCCINATE CoQ REDUCTASE DEFICIENCY. Identifiers: Orphanet 3208, MedGen C5700310, MONDO:0100294, OMIM 252011.
Pheochromocytoma/paraganglioma syndrome 5. Also called: Paragangliomas 5; SDHA-Related Hereditary Paraganglioma-Pheochromocytoma Syndrome. Identifiers: Orphanet 29072, MedGen C3279992, MONDO:0013602, OMIM 614165.

Allele frequency attached by ClinVar (database versions not stated): gnomAD exomes below 0.00001.
gnomAD v4.1: 3 of 1,612,362 alleles (0.00019%); highest among the groups gnomAD compares: African/African-American, 0.0027%; no homozygotes.

Submissions (3):

Myriad Genetics, Inc.
Classification: Benign for Pheochromocytoma/paraganglioma syndrome 5. Last evaluated: 2025-03-11. Review status: criteria provided, single submitter. Criteria: Myriad Autosomal Dominant, Autosomal Recessive and X-Linked Classification Criteria (2023). Collection method: clinical testing. Allele origin: unknown.
Comment: This variant is considered benign. This variant is a silent/synonymous amino acid change and it is not expected to impact splicing.

Labcorp Genetics (formerly Invitae), Labcorp
Classification: Likely benign for Pheochromocytoma/paraganglioma syndrome 5; Mitochondrial complex II deficiency, nuclear type 1. Last evaluated: 2024-07-23. Review status: criteria provided, single submitter. Criteria: Invitae Variant Classification Sherloc (09022015). Collection method: clinical testing. Allele origin: germline.

Ambry Genetics
Classification: Likely benign for Hereditary cancer-predisposing syndrome. Last evaluated: 2023-01-22. Review status: criteria provided, single submitter. Criteria: Ambry Variant Classification Scheme 2023. Collection method: clinical testing. Allele origin: germline.